The following is an entry in ClinVar:

NM_001164508.2(NEB):c.24575G>C (p.Ser8192Thr)

Genes: NEB (nebulin; minus strand), RIF1 (replication timing regulatory factor 1; plus strand). Cytogenetic location: 2q23.3.
Variant type: single nucleotide variant.
Coding change: c.24575G>C on transcript NM_001164508.2 (MANE Select); coding-DNA position 24575, G replaced by C.
Protein change: p.Ser8192Thr; replaces serine 8192 with threonine.
Molecular consequence: missense variant.
Genome position (GRCh38, 1-based): chr2:151,494,165, C>G on the plus strand (G>C on the coding strand, the complement: NEB is on the minus strand). VCF-style: chr2-151494165-C-G. GRCh37 (hg19) VCF-style: chr2-152350679-C-G.
Other names: c.24575G>C, p.Ser8192Thr (NM_001164507.2); c.24680G>C, p.Ser8227Thr (NM_001271208.2); c.19007G>C, p.Ser6336Thr (NM_004543.5); c.24680G>C (NM_001271208.1); short protein forms S6336T, S8192T, S8227T.
Identifiers: ClinVar variation 1052570 (VCV001052570.10), dbSNP rs2152874768, ClinGen allele CA348776613.
Genomic context (GRCh38, chr2:151,494,165, plus strand): 5'-AAACTGCAAGAGTTATTTTGCAAAATTAAAAGCACTTTTGTTTCTCAAGACAATACCGAG[C>G]TAATGTTTTCTTGATTGCGTTTGACTCTCTGCATCTCAGGAGTGACAGGGGTTGCGGTGG-3'
Protein context (NP_001157980.2, residues 8182-8202): QRVKRNQENI[Ser8192Thr]SVLYKENLGK

ClinVar aggregate classification (germline): Uncertain significance. Review status: criteria provided, multiple submitters, no conflicts (2 of 4 stars). 2 submissions from 2 submitters: Uncertain significance (2). Last evaluated 2024-04-05.

Conditions:
Nemaline myopathy 2 (NEM2). Also called: Nemaline myopathy 2, autosomal recessive. Identifiers: MedGen C1850569, MONDO:0009725, OMIM 256030.

gnomAD v4.1: 1 of 1,604,032 alleles (0.000062%); highest among the groups gnomAD compares: African/African-American, 0.0013%; no homozygotes.

Submissions (2):

Labcorp Genetics (formerly Invitae), Labcorp
Classification: Uncertain significance for Nemaline myopathy 2. Last evaluated: 2024-04-05. Review status: criteria provided, single submitter. Criteria: Invitae Variant Classification Sherloc (09022015). Collection method: clinical testing. Allele origin: germline.
Comment: This sequence change replaces serine, which is neutral and polar, with threonine, which is neutral and polar, at codon 8227 of the NEB protein (p.Ser8227Thr). This variant is not present in population databases (gnomAD no frequency). This variant has not been reported in the literature in individuals affected with NEB-related conditions. ClinVar contains an entry for this variant (Variation ID: 1052570). Experimental studies and prediction algorithms are not available or were not evaluated, and the functional significance of this variant is currently unknown. In summary, the available evidence is currently insufficient to determine the role of this variant in disease. Therefore, it has been classified as a Variant of Uncertain Significance.

Revvity Omics, Revvity
Classification: Uncertain significance. Last evaluated: 2021-01-30. Review status: criteria provided, single submitter. Criteria: ACMG Guidelines, 2015. Collection method: clinical testing. Allele origin: germline.